The following is an entry in ClinVar:

ClinVar aggregate classification (germline): Uncertain significance (1 of 4 stars; one submission).

Submission:

Labcorp Genetics (formerly Invitae), Labcorp
Classification: Uncertain significance. Last evaluated: 2025-05-08. Review status: criteria provided, single submitter. Criteria: Invitae Variant Classification Sherloc (09022015). Collection method: clinical testing. Allele origin: germline.
Comment: This sequence change replaces alanine, which is neutral and non-polar, with proline, which is neutral and non-polar, at codon 3240 of the HSPG2 protein (p.Ala3240Pro). This variant is not present in population databases (gnomAD no frequency). This variant has not been reported in the literature in individuals affected with HSPG2-related conditions. An algorithm developed to predict the effect of missense changes on protein structure and function outputs the following: PolyPhen-2: "Benign". The proline amino acid residue is found in multiple mammalian species, which suggests that this missense change does not adversely affect protein function. In summary, the available evidence is currently insufficient to determine the role of this variant in disease. Therefore, it has been classified as a Variant of Uncertain Significance.

NM_005529.7(HSPG2):c.9718G>C (p.Ala3240Pro)

Gene: HSPG2 (heparan sulfate proteoglycan 2; minus strand). Cytogenetic location: 1p36.12.
Variant type: single nucleotide variant.
Coding change: c.9718G>C on transcript NM_005529.7 (MANE Select); coding-DNA position 9718, G replaced by C.
Protein change: p.Ala3240Pro; replaces alanine 3240 with proline.
Molecular consequence: missense variant.
Genome position (GRCh38, 1-based): chr1:21,839,542, C>G on the plus strand (G>C on the coding strand, the complement: HSPG2 is on the minus strand). VCF-style: chr1-21839542-C-G. GRCh37 (hg19) VCF-style: chr1-22166035-C-G.
Other names: c.9721G>C, p.Ala3241Pro (NM_001291860.2); short protein forms A3241P, A3240P.
Identifiers: ClinVar variation 4779946 (VCV004779946.1).